The following is an entry in ClinVar:

ClinVar aggregate classification (germline): Uncertain significance (1 of 4 stars; one submission).

Submission:

GeneDx
Classification: Uncertain significance. Last evaluated: 2024-05-17. Review status: criteria provided, single submitter. Criteria: GeneDx Variant Classification Process June 2021. Collection method: clinical testing. Allele origin: germline. Affected: yes.
Comment: Not observed at significant frequency in large population cohorts (gnomAD); In silico analysis supports that this missense variant has a deleterious effect on protein structure/function; Has not been previously published as pathogenic or benign to our knowledge

NM_015937.6(PIGT):c.1301T>A (p.Leu434Gln)

Gene: PIGT (phosphatidylinositol glycan anchor biosynthesis class T; plus strand). Cytogenetic location: 20q13.12.
Variant type: single nucleotide variant.
Coding change: c.1301T>A on transcript NM_015937.6 (MANE Select); coding-DNA position 1301, T replaced by A.
Protein change: p.Leu434Gln; replaces leucine 434 with glutamine.
Molecular consequence: missense variant. On other transcripts: non-coding transcript variant (5).
Genome position (GRCh38, 1-based): chr20:45,424,282, T>A. VCF-style: chr20-45424282-T-A. GRCh37 (hg19) VCF-style: chr20-44052922-T-A.
Other names: c.1133T>A, p.Leu378Gln (NM_001184728.3); c.1100T>A, p.Leu367Gln (NM_001184729.3); c.995T>A, p.Leu332Gln (NM_001184730.3); short protein forms L332Q, L367Q, L378Q, L434Q.
Identifiers: ClinVar variation 3377861 (VCV003377861.1).